The following is an entry in ClinVar:

NM_182961.4(SYNE1):c.11342G>A (p.Gly3781Asp)

Gene: SYNE1 (spectrin repeat containing nuclear envelope protein 1; minus strand). Cytogenetic location: 6q25.2.
Variant type: single nucleotide variant.
Coding change: c.11342G>A on transcript NM_182961.4 (MANE Select); coding-DNA position 11342, G replaced by A.
Protein change: p.Gly3781Asp; replaces glycine 3781 with aspartic acid.
Molecular consequence: missense variant.
Genome position (GRCh38, 1-based): chr6:152,352,265, C>T on the plus strand (G>A on the coding strand, the complement: SYNE1 is on the minus strand). VCF-style: chr6-152352265-C-T. GRCh37 (hg19) VCF-style: chr6-152673400-C-T.
Other names: c.11297G>A, p.Gly3766Asp (NM_033071.5); short protein forms G3766D, G3781D.
Identifiers: ClinVar variation 3341463 (VCV003341463.1).

ClinVar aggregate classification (germline): Uncertain significance (1 of 4 stars; one submission).

Conditions:
Emery-Dreifuss muscular dystrophy 4, autosomal dominant (EDMD4). Also called: EMERY-DREIFUSS MUSCULAR DYSTROPHY 4 WITH VARIABLE FEATURES. Identifiers: Orphanet 261, MedGen C2751807, MONDO:0013071, OMIM 612998.

Submission:

Neuberg Centre For Genomic Medicine, NCGM
Classification: Uncertain significance for Emery-Dreifuss muscular dystrophy 4, autosomal dominant. Last evaluated: 2023-05-20. Review status: criteria provided, single submitter. Criteria: ACMG Guidelines, 2015. Collection method: clinical testing. Allele origin: germline. Inheritance: Autosomal dominant inheritance. Affected: yes.
Comment: The missense c.11342G>A (p.Gly3781Asp) variant in the SYNE1 gene has not been reported previously as a pathogenic variant nor as a benign variant, to our knowledge. This variant is absent in the gnomAD Exomes. The amino acid Glycine at position 3781 is changed to a Aspartic acid changing protein sequence and it might alter its composition and physico-chemical properties. Multiple lines of computational evidence (Polyphen - Benign, SIFT - Tolerated and MutationTaster - Polymorphism) predict no damaging effect on protein structure and function for this variant. The amino acid change p.Gly3781Asp in SYNE1 is predicted as conserved by PhyloP across 100 vertebrates. For these reasons, this variant has been classified as Uncertain Significance.